The following is an entry in ClinVar:

ClinVar aggregate classification (germline): Likely benign. Review status: criteria provided, multiple submitters, no conflicts (2 of 4 stars). 2 submissions from 2 submitters: Likely benign (2). Last evaluated 2026-06-16.

Conditions:
PCNT-related disorder. Also called: PCNT-related condition.

Allele frequency attached by ClinVar (database versions not stated): gnomAD 0.00001; TOPMed 0.00001; gnomAD exomes 0.00002; ExAC 0.00005; ESP Exome Variant Server 0.00015.
gnomAD v4.1: 32 of 1,612,246 alleles (0.002%); highest among the groups gnomAD compares: Non-Finnish European, 0.0026%; no homozygotes.

Submissions (2):

PreventionGenetics, part of Exact Sciences
Classification: Likely benign for PCNT-related condition. Last evaluated: 2026-06-16. Review status: criteria provided, single submitter. Criteria: ACMG Guidelines, 2015. Collection method: clinical testing. Allele origin: germline.
Comment: This variant is classified as likely benign based on ACMG/AMP sequence variant interpretation guidelines (Richards et al. 2015 PMID: 25741868, with internal and published modifications).

Labcorp Genetics (formerly Invitae), Labcorp
Classification: Likely benign. Last evaluated: 2024-01-27. Review status: criteria provided, single submitter. Criteria: Invitae Variant Classification Sherloc (09022015). Collection method: clinical testing. Allele origin: germline.

NM_006031.6(PCNT):c.7569G>A (p.Ala2523=)

Gene: PCNT (pericentrin; plus strand). Cytogenetic location: 21q22.3.
Variant type: single nucleotide variant.
Coding change: c.7569G>A on transcript NM_006031.6 (MANE Select); coding-DNA position 7569, G replaced by A.
Protein change: p.Ala2523=; no amino-acid change (alanine 2523 retained).
Molecular consequence: synonymous variant.
Genome position (GRCh38, 1-based): chr21:46,428,469, G>A. VCF-style: chr21-46428469-G-A. GRCh37 (hg19) VCF-style: chr21-47848383-G-A.
Other names: c.7569G>A (NM_006031.5); c.7215G>A, p.Ala2405= (NM_001315529.2).
Identifiers: ClinVar variation 2990013 (VCV002990013.4), dbSNP rs376826119, ClinGen allele CA10080710.